The following is an entry in ClinVar:

ClinVar aggregate classification (germline): Uncertain significance (1 of 4 stars; one submission).

Allele frequency attached by ClinVar (database versions not stated): gnomAD exomes below 0.00001.
gnomAD v4.1: 3 of 1,614,166 alleles (0.00019%); highest among the groups gnomAD compares: Non-Finnish European, 0.00025%; no homozygotes.

Submission:

GeneDx
Classification: Uncertain significance. Last evaluated: 2017-06-08. Review status: criteria provided, single submitter. Criteria: GeneDx Variant Classification Process June 2021. Collection method: clinical testing. Allele origin: germline. Affected: yes.
Comment: Not observed in large population cohorts (Lek et al., 2016); In silico analysis supports that this missense variant has a deleterious effect on protein structure/function

NM_000179.3(MSH6):c.3475T>G (p.Tyr1159Asp)

Gene: MSH6 (mutS homolog 6; plus strand). Cytogenetic location: 2p16.3.
Variant type: single nucleotide variant.
Coding change: c.3475T>G on transcript NM_000179.3 (MANE Select); coding-DNA position 3475, T replaced by G.
Protein change: p.Tyr1159Asp; replaces tyrosine 1159 with aspartic acid.
Molecular consequence: missense variant.
Genome position (GRCh38, 1-based): chr2:47,804,946, T>G. VCF-style: chr2-47804946-T-G. GRCh37 (hg19) VCF-style: chr2-48032085-T-G.
Other names: c.3085T>G, p.Tyr1029Asp (NM_001281492.2); c.2569T>G, p.Tyr857Asp (NM_001281493.2, NM_001281494.2); short protein forms Y1029D, Y1159D, Y857D.
Identifiers: ClinVar variation 1316149 (VCV001316149.2), dbSNP rs2104505614, ClinGen allele CA346760119.
Genomic context (GRCh38, chr2:47,804,946, plus strand): 5'-GACCTTTTCCTCCCTCATTCACAGGCTGGCTTATTAGCTGTAATGGCCCAGATGGGTTGT[T>G]ACGTCCCTGCTGAAGTGTGCAGGCTCACACCAATTGATAGAGTGTTTACTAGACTTGGTG-3'
Protein context (NP_000170.1, residues 1149-1169): LLAVMAQMGC[Tyr1159Asp]VPAEVCRLTP